The following is an entry in ClinVar:

NM_004618.5(TOP3A):c.821A>G (p.His274Arg)

Gene: TOP3A (DNA topoisomerase III alpha; minus strand). Cytogenetic location: 17p11.2.
Variant type: single nucleotide variant.
Coding change: c.821A>G on transcript NM_004618.5 (MANE Select); coding-DNA position 821, A replaced by G.
Protein change: p.His274Arg; replaces histidine 274 with arginine.
Molecular consequence: missense variant.
Genome position (GRCh38, 1-based): chr17:18,301,979, T>C on the plus strand (A>G on the coding strand, the complement: TOP3A is on the minus strand). VCF-style: chr17-18301979-T-C. GRCh37 (hg19) VCF-style: chr17-18205293-T-C.
Other names: c.536A>G, p.His179Arg (NM_001320759.2); short protein forms H179R, H274R.
Identifiers: ClinVar variation 4976471 (VCV004976471.1).

ClinVar aggregate classification (germline): Uncertain significance (1 of 4 stars; one submission).

Submission:

GeneDx
Classification: Uncertain significance. Last evaluated: 2026-02-09. Review status: criteria provided, single submitter. Criteria: GeneDx Variant Classification Process June 2021. Collection method: clinical testing. Allele origin: germline.
Comment: Not observed at significant frequency in large population cohorts (gnomAD); In silico analysis supports that this missense variant has a deleterious effect on protein structure/function; Has not been previously published as pathogenic or benign to our knowledge